The following is an entry in ClinVar:

NM_053025.4(MYLK):c.2725A>T (p.Thr909Ser)

Gene: MYLK (myosin light chain kinase; minus strand). Cytogenetic location: 3q21.1.
Variant type: single nucleotide variant.
Coding change: c.2725A>T on transcript NM_053025.4 (MANE Select); coding-DNA position 2725, A replaced by T.
Protein change: p.Thr909Ser; replaces threonine 909 with serine.
Molecular consequence: missense variant.
Genome position (GRCh38, 1-based): chr3:123,700,743, T>A on the plus strand (A>T on the coding strand, the complement: MYLK is on the minus strand). VCF-style: chr3-123700743-T-A. GRCh37 (hg19) VCF-style: chr3-123419590-T-A.
Other names: c.2197A>T, p.Thr733Ser (NM_001321309.2); c.2518A>T, p.Thr840Ser (NM_053026.4, NM_053028.4); c.2725A>T, p.Thr909Ser (NM_053027.4); short protein forms T733S, T840S, T909S.
Identifiers: ClinVar variation 1795232 (VCV001795232.2), dbSNP rs895275590, ClinGen allele CA82925362.

ClinVar aggregate classification (germline): Uncertain significance (1 of 4 stars; one submission).

Conditions:
Familial thoracic aortic aneurysm and aortic dissection (TAAD). Also called: Thoracic aortic aneurysms and dissections. Identifiers: Orphanet 91387, MedGen C4707243, MONDO:0019625.

Allele frequency attached by ClinVar (database versions not stated): TOPMed below 0.00001.
gnomAD v4.1: 4 of 1,614,066 alleles (0.00025%); highest among the groups gnomAD compares: Admixed American, 0.0067%; no homozygotes.

Submission:

Ambry Genetics
Classification: Uncertain significance for Familial thoracic aortic aneurysm and aortic dissection. Last evaluated: 2021-08-11. Review status: criteria provided, single submitter. Criteria: Ambry Variant Classification Scheme 2023. Collection method: clinical testing. Allele origin: germline.
Comment: The p.T909S variant (also known as c.2725A>T), located in coding exon 15 of the MYLK gene, results from an A to T substitution at nucleotide position 2725. The threonine at codon 909 is replaced by serine, an amino acid with similar properties. This amino acid position is conserved. In addition, this alteration is predicted to be tolerated by in silico analysis. Since supporting evidence is limited at this time, the clinical significance of this alteration remains unclear.